The following is an entry in ClinVar:

NM_152296.5(ATP1A3):c.6+644G>A

Gene: ATP1A3 (ATPase Na+/K+ transporting subunit alpha 3; minus strand). Cytogenetic location: 19q13.2.
Variant type: single nucleotide variant.
Coding change: c.6+644G>A on transcript NM_152296.5 (MANE Select); 644 bases into the intron after coding-DNA position 6, G replaced by A.
Molecular consequence: intron variant. On other transcripts: missense variant (1).
Genome position (GRCh38, 1-based): chr19:41,993,427, C>T on the plus strand (G>A on the coding strand, the complement: ATP1A3 is on the minus strand). VCF-style: chr19-41993427-C-T. GRCh37 (hg19) VCF-style: chr19-42497579-C-T.
Other names: c.5G>A, p.Gly2Glu (NM_001256213.2); c.6+644G>A (NM_001256214.2); c.5G>A (NM_001256213.1); short protein forms G2E.
Identifiers: ClinVar variation 623955 (VCV000623955.44), dbSNP rs1363862715, ClinGen allele CA406059383.

ClinVar aggregate classification (germline): Uncertain significance. Review status: criteria provided, single submitter (1 of 4 stars). 2 submissions from 2 submitters: Uncertain significance (1). 1 of the submissions does not count toward it. Last evaluated 2018-06-01.

Conditions:
ATP1A3-related disorder. Also called: ATP1A3-related disorders; ATP1A3-related condition. Identifiers: MedGen CN381097.

Allele frequency attached by ClinVar (database versions not stated): gnomAD 0.00002; TOPMed 0.00002; gnomAD exomes 0.00003.
gnomAD v4.1: 43 of 1,535,646 alleles (0.0028%); highest among the groups gnomAD compares: Non-Finnish European, 0.0036%; no homozygotes.

Submissions (2):

CeGaT Center for Human Genetics Tuebingen
Classification: Uncertain significance. Last evaluated: 2018-06-01. Review status: criteria provided, single submitter. Criteria: CeGaT Center For Human Genetics Tuebingen Variant Classification Criteria Version 2. Collection method: clinical testing. Allele origin: germline. Affected: yes. Observed: 3 variant alleles.

PreventionGenetics, part of Exact Sciences
Classification: Uncertain significance for ATP1A3-related condition. Last evaluated: 2024-01-10. Review status: no assertion criteria provided. Collection method: clinical testing. Allele origin: germline. Not counted in ClinVar's aggregate classification.
Comment: The ATP1A3 c.5G>A variant is predicted to result in the amino acid substitution p.Gly2Glu. To our knowledge, this variant has not been reported in the literature or in a large population database, indicating this variant is rare. At this time, the clinical significance of this variant is uncertain due to the absence of conclusive functional and genetic evidence.